The following is an entry in ClinVar:

NM_001289125.3(IFNAR2):c.44T>G (p.Leu15Trp)

Genes: IFNAR2 (interferon alpha and beta receptor subunit 2; plus strand), IFNAR2-IL10RB (IFNAR2-IL10RB readthrough; plus strand). Cytogenetic location: 21q22.11.
Variant type: single nucleotide variant.
Coding change: c.44T>G on transcript NM_001289125.3 (MANE Select); coding-DNA position 44, T replaced by G.
Protein change: p.Leu15Trp; replaces leucine 15 with tryptophan.
Molecular consequence: missense variant.
Genome position (GRCh38, 1-based): chr21:33,241,966, T>G. VCF-style: chr21-33241966-T-G. GRCh37 (hg19) VCF-style: chr21-34614271-T-G.
Other names: c.44T>G (NM_207585.1, NM_207585.2); c.44T>G, p.Leu15Trp (NM_000874.5, NM_001289126.2, NM_001289128.2 and 4 more transcripts); short protein forms L15W.
Identifiers: ClinVar variation 1425448 (VCV001425448.7), dbSNP rs755873190, ClinGen allele CA10005502.
Genomic context (GRCh38, chr21:33,241,966, plus strand): 5'-CTCTAAAAATAGCAAAGATGCTTTTGAGCCAGAATGCCTTCATCTTCAGATCACTTAATT[T>G]GGTTCTCATGGGTAAGTGCTGCTTTTTATCTTAGCTCTTATAGAAGCAAGCTGTGATGCC-3'
Protein context (NP_001276054.1, residues 5-25): QNAFIFRSLN[Leu15Trp]VLMVYISLVF

ClinVar aggregate classification (germline): Uncertain significance. Review status: criteria provided, multiple submitters, no conflicts (2 of 4 stars). 3 submissions from 3 submitters: Uncertain significance (3). Last evaluated 2025-03-30.

Allele frequency attached by ClinVar (database versions not stated): ExAC 0.00002; gnomAD exomes below 0.00001 and 0.00002; TOPMed 0.00001.
gnomAD v4.1: 6 of 1,612,888 alleles (0.00037%); highest among the groups gnomAD compares: Admixed American, 0.01%; no homozygotes.

Submissions (3):

GeneDx
Classification: Uncertain significance. Last evaluated: 2025-03-30. Review status: criteria provided, single submitter. Criteria: GeneDx Variant Classification Process June 2021. Collection method: clinical testing. Allele origin: germline. Affected: yes.
Comment: In silico analysis supports that this missense variant has a deleterious effect on protein structure/function; Has not been previously published as pathogenic or benign to our knowledge

Ambry Genetics
Classification: Uncertain significance. Last evaluated: 2024-11-26. Review status: criteria provided, single submitter. Criteria: Ambry Variant Classification Scheme 2023. Collection method: clinical testing. Allele origin: germline.

Labcorp Genetics (formerly Invitae), Labcorp
Classification: Uncertain significance. Last evaluated: 2022-02-17. Review status: criteria provided, single submitter. Criteria: Invitae Variant Classification Sherloc (09022015). Collection method: clinical testing. Allele origin: germline.
Comment: This sequence change replaces leucine, which is neutral and non-polar, with tryptophan, which is neutral and slightly polar, at codon 15 of the IFNAR2 protein (p.Leu15Trp). This variant is present in population databases (rs755873190, gnomAD 0.02%). This variant has not been reported in the literature in individuals affected with IFNAR2-related conditions. Algorithms developed to predict the effect of missense changes on protein structure and function output the following: SIFT: "Deleterious"; PolyPhen-2: "Probably Damaging"; Align-GVGD: "Class C0". The tryptophan amino acid residue is found in multiple mammalian species, which suggests that this missense change does not adversely affect protein function. In summary, the available evidence is currently insufficient to determine the role of this variant in disease. Therefore, it has been classified as a Variant of Uncertain Significance.